The following is an entry in ClinVar:

ClinVar aggregate classification (germline): Pathogenic/Likely pathogenic. Review status: criteria provided, multiple submitters, no conflicts (2 of 4 stars). 8 submissions from 8 submitters: Pathogenic (4); Likely pathogenic (3). 1 of the submissions does not count toward it. Last evaluated 2025-11-24.

Conditions:
Epilepsy. Also called: Seizure disorder. Identifiers: MedGen C0014544, MeSH D004827, MONDO:0005027.
PIGQ-related disorder. Also called: PIGQ-related condition.
Developmental and epileptic encephalopathy, 77. Also called: EPILEPTIC ENCEPHALOPATHY, EARLY INFANTILE, 77; GLYCOSYLPHOSPHATIDYLINOSITOL BIOSYNTHESIS DEFECT 19; MULTIPLE CONGENITAL ANOMALIES-HYPOTONIA-SEIZURES SYNDROME 4. Identifiers: MedGen C5231405, MONDO:0032808, OMIM 618548.
Inborn genetic diseases. Identifiers: MedGen C0950123, MeSH D030342.

Submissions (8):

Labcorp Genetics (formerly Invitae), Labcorp
Classification: Pathogenic for Epilepsy. Last evaluated: 2025-11-24. Review status: criteria provided, single submitter. Criteria: Invitae Variant Classification Sherloc (09022015). Collection method: clinical testing. Allele origin: germline.
Comment: This variant, c.1199_1201del, results in the deletion of 1 amino acid(s) of the PIGQ protein (p.Tyr400del), but otherwise preserves the integrity of the reading frame. This variant is present in population databases (rs766667249, gnomAD 0.03%). This variant has been observed in individual(s) with PIGQ-related conditions (PMID: 31148362, 32588908). In at least one individual the data is consistent with being in trans (on the opposite chromosome) from a pathogenic variant. ClinVar contains an entry for this variant (Variation ID: 449630). For these reasons, this variant has been classified as Pathogenic.

Women's Health and Genetics/Laboratory Corporation of America, LabCorp
Classification: Pathogenic for Developmental and epileptic encephalopathy, 77. Last evaluated: 2025-05-30. Review status: criteria provided, single submitter. Criteria: LabCorp Variant Classification Summary - May 2015. Collection method: clinical testing. Allele origin: germline.
Comment: Variant summary: PIGQ c.1199_1201delACT (p.Tyr400del) results in an in-frame deletion that is predicted to remove one amino acid from the encoded protein. The variant allele was found at a frequency of 0.00015 in 250380 control chromosomes (gnomAD). This frequency is not significantly higher than estimated for a pathogenic variant in PIGQ causing Developmental And Epileptic Encephalopathy, 77, allowing no conclusion about variant significance. c.1199_1201delACT has been observed in multiple individuals with clinical features of Developmental And Epileptic Encephalopathy, 77 (Farwell Hagman_2017, Starr_2019, Burstein_2020, Johnstone_2020, Sidpra_2024). These data indicate that the variant is very likely to be associated with disease. To our knowledge, no experimental evidence demonstrating an impact on protein function has been reported. The following publications have been ascertained in the context of this evaluation (PMID: 32746448, 27513193, 38456468, 31148362, 32588908). ClinVar contains an entry for this variant (Variation ID: 449630). Based on the evidence outlined above, the variant was classified as pathogenic.

Blueprint Genetics
Classification: Pathogenic for PIGQ-related disorders. Last evaluated: 2024-10-21. Review status: criteria provided, single submitter. Criteria: ACMG Guidelines, 2015. Collection method: clinical testing. Allele origin: germline. Affected: yes. Observed: 5 variant alleles.

Revvity Omics, Revvity
Classification: Likely pathogenic for Developmental and epileptic encephalopathy, 77. Last evaluated: 2024-08-06. Review status: criteria provided, single submitter. Criteria: ACMG Guidelines, 2015. Collection method: clinical testing. Allele origin: germline.

GeneDx
Classification: Likely pathogenic. Last evaluated: 2024-04-12. Review status: criteria provided, single submitter. Criteria: GeneDx Variant Classification Process June 2021. Collection method: clinical testing. Allele origin: germline. Affected: yes.
Comment: In-frame deletion of one amino acid in a non-repeat region; In silico analysis supports a deleterious effect on protein structure/function; This variant is associated with the following publications: (PMID: 27513193, 32588908, 31148362, 32746448, 37923198)

CeGaT Center for Human Genetics Tuebingen
Classification: Pathogenic. Last evaluated: 2024-03-01. Review status: criteria provided, single submitter. Criteria: CeGaT Center For Human Genetics Tuebingen Variant Classification Criteria Version 2. Collection method: clinical testing. Allele origin: germline. Affected: yes. Observed: 4 variant alleles.
Comment: PIGQ: PM3:Very Strong, PM2, PM4, PS3:Supporting

Ambry Genetics
Classification: Likely pathogenic for Inborn genetic diseases. Last evaluated: 2021-02-19. Review status: criteria provided, single submitter. Criteria: Ambry Variant Classification Scheme 2023. Collection method: clinical testing. Allele origin: germline.
Comment: The c.1199_1201delACT (p.Y400del) alteration is located in exon 6 (coding exon 5) of the PIGQ gene. This alteration consists of an in-frame deletion of 3 nucleotides between nucleotide positions 1199 and 1201, resulting in the deletion of a tyrosine (Y) at amino acid position 400. Based on data from the Genome Aggregation Database (gnomAD) database, the PIGQ c.1199_1201delACT alteration was observed in 0.014% (40/281,686) of total alleles studied, with a frequency of 0.03% (37/128,562) in the European (non-Finnish) subpopulation. The p.Y400del alteration has been reported in trans with a second PIGQ alteration in multiple patients with infantile epileptic encephalopathy (Johnstone, 2020). The p.Y400 amino acid is conserved in available vertebrate species. The p.Y400 amino acid is located in the third transmembrane region of the PIGQ catalytic domain. The p.Y400del alteration is predicted to be deleterious with a score of -16.01 by PROVEAN in silico analysis. Based on the available evidence, this alteration is classified as likely pathogenic.

OMIM
Classification: Pathogenic for MULTIPLE CONGENITAL ANOMALIES-HYPOTONIA-SEIZURES SYNDROME 4. Last evaluated: 2021-01-26. Review status: no assertion criteria provided. Collection method: literature only. Allele origin: germline. Not counted in ClinVar's aggregate classification.

Literature cited by the submitters: PubMed 31148362 (cited by 3 submitters); PubMed 32588908 (cited by 4 submitters); PubMed 32746448 (cited by Women's Health and Genetics/Laboratory Corporation of America, LabCorp); PubMed 27513193 (cited by Women's Health and Genetics/Laboratory Corporation of America, LabCorp); PubMed 38456468 (cited by Women's Health and Genetics/Laboratory Corporation of America, LabCorp).

NM_004204.5(PIGQ):c.1199_1201del (p.Tyr400del)

Gene: PIGQ (phosphatidylinositol glycan anchor biosynthesis class Q; plus strand). Cytogenetic location: 16p13.3.
Variant type: Deletion.
Coding change: c.1199_1201del on transcript NM_004204.5 (MANE Select); coding-DNA positions 1199 to 1201, 3 bases deleted (ACT; older notation c.1199_1201delACT).
Protein change: p.Tyr400del; deletes tyrosine 400.
Molecular consequence: inframe deletion.
Genome position (GRCh38, 1-based): chr16:578,914-578,916, ACT deleted; deleting any 3 consecutive bases within chr16:578,912-578,916 gives the same sequence; the c. name uses the placement nearest the transcript's 3' end. VCF-style (leftmost placement, unchanged base first): chr16-578911-TCTA-T. GRCh37 (hg19) VCF-style: chr16-628911-TCTA-T.
Other names: c.1199_1201delACT (NM_004204.5); c.1199_1201del, p.Tyr400del (NM_148920.4); c.1199_1201del (NM_004204.3); short protein forms Y400del.
Identifiers: ClinVar variation 449630 (VCV000449630.53), dbSNP rs766667249, ClinGen allele CA7780150.